The following is an entry in ClinVar:

NM_000264.5(PTCH1):c.2086A>G (p.Thr696Ala)

Genes: PTCH1 (patched 1; minus strand), LOC100507346 (uncharacterized LOC100507346; plus strand). Cytogenetic location: 9q22.32.
Variant type: single nucleotide variant.
Coding change: c.2086A>G on transcript NM_000264.5 (MANE Select); coding-DNA position 2086, A replaced by G.
Protein change: p.Thr696Ala; replaces threonine 696 with alanine.
Molecular consequence: missense variant. On other transcripts: non-coding transcript variant (2).
Genome position (GRCh38, 1-based): chr9:95,468,915, T>C on the plus strand (A>G on the coding strand, the complement: PTCH1 is on the minus strand). VCF-style: chr9-95468915-T-C. GRCh37 (hg19) VCF-style: chr9-98231197-T-C.
Other names: c.1888A>G, p.Thr630Ala (NM_001083602.3); c.2083A>G, p.Thr695Ala (NM_001083603.3); c.1633A>G, p.Thr545Ala (NM_001083604.3, NM_001083605.3, NM_001083606.3 and 1 more transcripts); c.1930A>G, p.Thr644Ala (NM_001354918.2); short protein forms T545A, T644A, T696A, T630A, T695A.
Identifiers: ClinVar variation 820687 (VCV000820687.17), dbSNP rs1588574496, ClinGen allele CA374115689.

ClinVar aggregate classification (germline): Conflicting classifications of pathogenicity. Review status: criteria provided, conflicting classifications (1 of 4 stars). 3 submissions from 3 submitters: Uncertain significance (2); Likely benign (1). Last evaluated 2025-11-01.

Conditions:
Gorlin syndrome. Also called: Nevoid Basal Cell Carcinoma Syndrome; Basal cell nevus syndrome. Identifiers: Orphanet 377, MedGen C0004779, MONDO:0007187.
Hereditary cancer-predisposing syndrome. Also called: Hereditary Cancer Syndrome; Neoplastic Syndromes, Hereditary; Hereditary neoplastic syndrome; Tumor predisposition. Identifiers: Orphanet 140162, MedGen C0027672, MeSH D009386, MONDO:0015356.

Allele frequency attached by ClinVar (database versions not stated): gnomAD exomes below 0.00001; gnomAD 0.00001; TOPMed 0.00001.
gnomAD v4.1: 1 of 1,613,984 alleles (0.000062%); highest among the groups gnomAD compares: African/African-American, 0.0013%; no homozygotes.

Submissions (3):

Labcorp Genetics (formerly Invitae), Labcorp
Classification: Uncertain significance for Gorlin syndrome. Last evaluated: 2025-11-01. Review status: criteria provided, single submitter. Criteria: Invitae Variant Classification Sherloc (09022015). Collection method: clinical testing. Allele origin: germline.
Comment: This sequence change replaces threonine, which is neutral and polar, with alanine, which is neutral and non-polar, at codon 696 of the PTCH1 protein (p.Thr696Ala). This variant is not present in population databases (gnomAD no frequency). This variant has not been reported in the literature in individuals affected with PTCH1-related conditions. ClinVar contains an entry for this variant (Variation ID: 820687). Invitae Evidence Modeling of protein sequence and biophysical properties (such as structural, functional, and spatial information, amino acid conservation, physicochemical variation, residue mobility, and thermodynamic stability) indicates that this missense variant is not expected to disrupt PTCH1 protein function with a negative predictive value of 95%. In summary, the available evidence is currently insufficient to determine the role of this variant in disease. Therefore, it has been classified as a Variant of Uncertain Significance.

Ambry Genetics
Classification: Likely benign for Hereditary cancer-predisposing syndrome. Last evaluated: 2024-03-28. Review status: criteria provided, single submitter. Criteria: Ambry Variant Classification Scheme 2023. Collection method: clinical testing. Allele origin: germline.

Revvity Omics, Revvity
Classification: Uncertain significance. Last evaluated: 2019-10-16. Review status: criteria provided, single submitter. Criteria: ACMG Guidelines, 2015. Collection method: clinical testing. Allele origin: germline.